The following is an entry in ClinVar:

ClinVar aggregate classification (germline): Uncertain significance (1 of 4 stars; one submission).

gnomAD v4.1: 1 of 1,551,910 alleles (0.000064%); highest among the groups gnomAD compares: Non-Finnish European, 0.000087%; no homozygotes.

Submission:

Labcorp Genetics (formerly Invitae), Labcorp
Classification: Uncertain significance. Last evaluated: 2025-01-15. Review status: criteria provided, single submitter. Criteria: Invitae Variant Classification Sherloc (09022015). Collection method: clinical testing. Allele origin: germline.
Comment: This sequence change replaces histidine, which is basic and polar, with tyrosine, which is neutral and polar, at codon 1483 of the UNC80 protein (p.His1483Tyr). This variant is not present in population databases (gnomAD no frequency). This variant has not been reported in the literature in individuals affected with UNC80-related conditions. Invitae Evidence Modeling of protein sequence and biophysical properties (such as structural, functional, and spatial information, amino acid conservation, physicochemical variation, residue mobility, and thermodynamic stability) indicates that this missense variant is not expected to disrupt UNC80 protein function with a negative predictive value of 80%. In summary, the available evidence is currently insufficient to determine the role of this variant in disease. Therefore, it has been classified as a Variant of Uncertain Significance.

NM_001371986.1(UNC80):c.4645C>T (p.His1549Tyr)

Gene: UNC80 (unc-80 homolog, NALCN channel complex subunit; plus strand). Cytogenetic location: 2q34.
Variant type: single nucleotide variant.
Coding change: c.4645C>T on transcript NM_001371986.1 (MANE Select); coding-DNA position 4645, C replaced by T.
Protein change: p.His1549Tyr; replaces histidine 1549 with tyrosine.
Molecular consequence: missense variant.
Genome position (GRCh38, 1-based): chr2:209,904,828, C>T. VCF-style: chr2-209904828-C-T. GRCh37 (hg19) VCF-style: chr2-210769552-C-T.
Other names: c.4447C>T, p.His1483Tyr (NM_032504.2); c.4432C>T, p.His1478Tyr (NM_182587.4); short protein forms H1478Y, H1483Y, H1549Y.
Identifiers: ClinVar variation 3671244 (VCV003671244.1).